The following is an entry in ClinVar:

ClinVar aggregate classification (germline): Uncertain significance (1 of 4 stars; one submission).

gnomAD v4.1: 48 of 1,613,830 alleles (0.003%); highest among the groups gnomAD compares: Middle Eastern, 0.049%; no homozygotes.

Submission:

CeGaT Center for Human Genetics Tuebingen
Classification: Uncertain significance. Last evaluated: 2026-08-01. Review status: criteria provided, single submitter. Criteria: CeGaT Center For Human Genetics Tuebingen Variant Classification Criteria Version 2. Collection method: clinical testing. Allele origin: germline. Affected: yes. Observed: 1 variant allele.
Comment: CELSR1: PM2, BP4

NM_001378328.1(CELSR1):c.6803C>G (p.Thr2268Ser)

Gene: CELSR1 (cadherin EGF LAG seven-pass G-type receptor 1; minus strand). Cytogenetic location: 22q13.31.
Variant type: single nucleotide variant.
Coding change: c.6803C>G on transcript NM_001378328.1 (MANE Select); coding-DNA position 6803, C replaced by G.
Protein change: p.Thr2268Ser; replaces threonine 2268 with serine.
Molecular consequence: missense variant.
Genome position (GRCh38, 1-based): chr22:46,384,623, G>C on the plus strand (C>G on the coding strand, the complement: CELSR1 is on the minus strand). VCF-style: chr22-46384623-G-C. GRCh37 (hg19) VCF-style: chr22-46780520-G-C.
Other names: c.6803C>G, p.Thr2268Ser (NM_014246.4); short protein forms T2268S.
Identifiers: ClinVar variation 5038677 (VCV005038677.1).